The following is an entry in ClinVar:

NM_002439.5(MSH3):c.3299A>G (p.Lys1100Arg)

Gene: MSH3 (mutS homolog 3; plus strand). Cytogenetic location: 5q14.1.
Variant type: single nucleotide variant.
Coding change: c.3299A>G on transcript NM_002439.5 (MANE Select); coding-DNA position 3299, A replaced by G.
Protein change: p.Lys1100Arg; replaces lysine 1100 with arginine.
Molecular consequence: missense variant.
Genome position (GRCh38, 1-based): chr5:80,873,284, A>G. VCF-style: chr5-80873284-A-G. GRCh37 (hg19) VCF-style: chr5-80169103-A-G.
Other names: short protein forms K1100R.
Identifiers: ClinVar variation 4723180 (VCV004723180.1).

ClinVar aggregate classification (germline): Uncertain significance (1 of 4 stars; one submission).

Submission:

Labcorp Genetics (formerly Invitae), Labcorp
Classification: Uncertain significance. Last evaluated: 2025-07-14. Review status: criteria provided, single submitter. Criteria: Invitae Variant Classification Sherloc (09022015). Collection method: clinical testing. Allele origin: germline.
Comment: This sequence change replaces lysine, which is basic and polar, with arginine, which is basic and polar, at codon 1100 of the MSH3 protein (p.Lys1100Arg). This variant is not present in population databases (gnomAD no frequency). This variant has not been reported in the literature in individuals affected with MSH3-related conditions. An algorithm developed to predict the effect of missense changes on protein structure and function outputs the following: PolyPhen-2: "Benign". The arginine amino acid residue is found in multiple mammalian species, which suggests that this missense change does not adversely affect protein function. In summary, the available evidence is currently insufficient to determine the role of this variant in disease. Therefore, it has been classified as a Variant of Uncertain Significance.